The following is an entry in ClinVar:

ClinVar aggregate classification (germline): Benign/Likely benign. Review status: criteria provided, multiple submitters, no conflicts (2 of 4 stars). 3 submissions from 3 submitters: Benign (1); Likely benign (1). 1 of the submissions does not count toward it. Last evaluated 2026-09-01.

Conditions:
ITPR3-related disorder. Also called: ITPR3-related condition.

Allele frequency attached by ClinVar (database versions not stated): gnomAD exomes 0.00163 and 0.00222; ExAC 0.00237; ESP Exome Variant Server 0.00292; gnomAD 0.00295 and 0.00308; 1000 Genomes Project 30x 0.00312; 1000 Genomes Project 0.00319; TOPMed 0.00328.
gnomAD v4.1: 2,903 of 1,614,098 alleles (0.18%); highest among the groups gnomAD compares: Middle Eastern, 1.5%; 16 homozygotes.

Submissions (3):

CeGaT Center for Human Genetics Tuebingen
Classification: Likely benign. Last evaluated: 2026-09-01. Review status: criteria provided, single submitter. Criteria: CeGaT Center For Human Genetics Tuebingen Variant Classification Criteria Version 2. Collection method: clinical testing. Allele origin: germline. Affected: yes. Observed: 6 variant alleles.
Comment: ITPR3: BP4, BP7, BS1

Labcorp Genetics (formerly Invitae), Labcorp
Classification: Benign. Last evaluated: 2019-12-31. Review status: criteria provided, single submitter. Criteria: Invitae Variant Classification Sherloc (09022015). Collection method: clinical testing. Allele origin: germline.

PreventionGenetics, part of Exact Sciences
Classification: Likely benign for ITPR3-related condition. Last evaluated: 2019-02-20. Review status: no assertion criteria provided. Collection method: clinical testing. Allele origin: germline. Not counted in ClinVar's aggregate classification.
Comment: This variant is classified as likely benign based on ACMG/AMP sequence variant interpretation guidelines (Richards et al. 2015 PMID: 25741868, with internal and published modifications).

NM_002224.4(ITPR3):c.7608G>A (p.Thr2536=)

Gene: ITPR3 (inositol 1,4,5-trisphosphate receptor type 3; plus strand). Cytogenetic location: 6p21.31.
Variant type: single nucleotide variant.
Coding change: c.7608G>A on transcript NM_002224.4 (MANE Select); coding-DNA position 7608, G replaced by A.
Protein change: p.Thr2536=; no amino-acid change (threonine 2536 retained).
Molecular consequence: synonymous variant.
Genome position (GRCh38, 1-based): chr6:33,692,877, G>A. VCF-style: chr6-33692877-G-A. GRCh37 (hg19) VCF-style: chr6-33660654-G-A.
Identifiers: ClinVar variation 787825 (VCV000787825.20), dbSNP rs75810069, ClinGen allele CA3762236.